The following is an entry in ClinVar:

ClinVar aggregate classification (germline): Uncertain significance. Review status: criteria provided, multiple submitters, no conflicts (2 of 4 stars). 3 submissions from 3 submitters: Uncertain significance (3). Last evaluated 2024-11-27.

Conditions:
Angelman syndrome (AS). Also called: HAPPY PUPPET SYNDROME. Identifiers: Orphanet 72, MedGen C0162635, MONDO:0007113, OMIM 105830. Disease mechanism: loss of function. Inheritance: AS is caused by disruption of maternally imprinted UBE3A located within the 15q11.2-q13 Angelman syndrome/Prader-Willi syndrome (AS/PWS) region., imprinting disorder.

Allele frequency attached by ClinVar (database versions not stated): TOPMed 0.00001; gnomAD 0.00002.
gnomAD v4.1: 3 of 1,614,014 alleles (0.00019%); highest among the groups gnomAD compares: Non-Finnish European, 0.00025%; no homozygotes.

Submissions (3):

GeneDx
Classification: Uncertain significance. Last evaluated: 2024-11-27. Review status: criteria provided, single submitter. Criteria: GeneDx Variant Classification Process June 2021. Collection method: clinical testing. Allele origin: germline. Affected: yes.
Comment: Not observed at significant frequency in large population cohorts (gnomAD); In silico analysis supports that this missense variant does not alter protein structure/function; Has not been previously published as pathogenic or benign to our knowledge

Labcorp Genetics (formerly Invitae), Labcorp
Classification: Uncertain significance for Angelman syndrome. Last evaluated: 2023-12-14. Review status: criteria provided, single submitter. Criteria: Invitae Variant Classification Sherloc (09022015). Collection method: clinical testing. Allele origin: germline.
Comment: This sequence change replaces isoleucine, which is neutral and non-polar, with leucine, which is neutral and non-polar, at codon 378 of the UBE3A protein (p.Ile378Leu). This variant is present in population databases (rs200380619, gnomAD 0.0009%). This variant has not been reported in the literature in individuals affected with UBE3A-related conditions. ClinVar contains an entry for this variant (Variation ID: 160201). Algorithms developed to predict the effect of missense changes on protein structure and function output the following: SIFT: "Not Available"; PolyPhen-2: "Benign"; Align-GVGD: "Not Available". The leucine amino acid residue is found in multiple mammalian species, which suggests that this missense change does not adversely affect protein function. In summary, the available evidence is currently insufficient to determine the role of this variant in disease. Therefore, it has been classified as a Variant of Uncertain Significance.

Genetic Services Laboratory, University of Chicago
Classification: Uncertain significance for Angelman syndrome. Last evaluated: 2013-08-12. Review status: criteria provided, single submitter. Criteria: ACMG Guidelines, 2007. Collection method: clinical testing. Allele origin: germline. Inheritance: Autosomal dominant inheritance.

NM_130839.5(UBE3A):c.1192A>C (p.Ile398Leu)

Genes: SNHG14 (small nucleolar RNA host gene 14; plus strand), UBE3A (ubiquitin protein ligase E3A; minus strand). Cytogenetic location: 15q11.2.
Variant type: single nucleotide variant.
Coding change: c.1192A>C on transcript NM_130839.5 (MANE Select); coding-DNA position 1192, A replaced by C.
Protein change: p.Ile398Leu; replaces isoleucine 398 with leucine.
Molecular consequence: missense variant. On other transcripts: non-coding transcript variant (1), intron variant (2).
Genome position (GRCh38, 1-based): chr15:25,370,982, T>G on the plus strand (A>C on the coding strand, the complement: UBE3A is on the minus strand). VCF-style: chr15-25370982-T-G. GRCh37 (hg19) VCF-style: chr15-25616129-T-G.
Other names: c.1201A>C, p.Ile401Leu (NM_000462.5); c.1192A>C, p.Ile398Leu (NM_001354505.1, NM_001354538.2, NM_001354545.2); c.1132A>C, p.Ile378Leu (NM_001354506.2, NM_001354507.2, NM_001354508.2 and 17 more transcripts); c.1015A>C, p.Ile339Leu (NM_001354546.2); c.301+4483A>C (NM_001354551.2); c.361+4483A>C (NM_001354550.2); short protein forms I378L, I339L, I401L, I398L.
Identifiers: ClinVar variation 160201 (VCV000160201.13), dbSNP rs200380619, ClinGen allele CA333517.